The following is an entry in ClinVar:

ClinVar aggregate classification (germline): Uncertain significance (1 of 4 stars; one submission).

Submission:

Labcorp Genetics (formerly Invitae), Labcorp
Classification: Uncertain significance. Last evaluated: 2022-06-02. Review status: criteria provided, single submitter. Criteria: Invitae Variant Classification Sherloc (09022015). Collection method: clinical testing. Allele origin: germline.
Comment: In summary, the available evidence is currently insufficient to determine the role of this variant in disease. Therefore, it has been classified as a Variant of Uncertain Significance. Experimental studies and prediction algorithms are not available or were not evaluated, and the functional significance of this variant is currently unknown. This variant has not been reported in the literature in individuals affected with RELB-related conditions. This variant is not present in population databases (gnomAD no frequency). This variant, c.224_229del, is a complex sequence change that results in the deletion of 3 and insertion of 1 amino acid(s) in the RELB protein (p.Pro75_Glu77delinsGln).

NM_006509.4(RELB):c.224_229del (p.Pro75_Glu77delinsGln)

Gene: RELB (RELB proto-oncogene, NF-kB subunit; plus strand). Cytogenetic location: 19q13.32.
Variant type: Deletion.
Coding change: c.224_229del on transcript NM_006509.4 (MANE Select); coding-DNA positions 224 to 229, 6 bases deleted (CGGGCG; older notation c.224_229delCGGGCG).
Protein change: p.Pro75_Glu77delinsGln.
Molecular consequence: inframe indel.
Genome position (GRCh38, 1-based): chr19:45,011,996-45,012,001, CGGGCG deleted. VCF-style (leftmost placement, unchanged base first): chr19-45011995-CCGGGCG-C. GRCh37 (hg19) VCF-style: chr19-45515253-CCGGGCG-C.
Other names: c.215_220delCGGGCG, p.Pro72_Glu74delinsGln (NM_001411087.1).
Identifiers: ClinVar variation 2113056 (VCV002113056.4), dbSNP rs2513638090, ClinGen allele CA2580097382.